The following is an entry in ClinVar:

NM_000222.3(KIT):c.2446G>A (p.Asp816Asn)

Gene: KIT (KIT proto-oncogene, receptor tyrosine kinase; plus strand). Cytogenetic location: 4q12.
Variant type: single nucleotide variant.
Coding change: c.2446G>A on transcript NM_000222.3 (MANE Select); coding-DNA position 2446, G replaced by A.
Protein change: p.Asp816Asn; replaces aspartic acid 816 with asparagine.
Molecular consequence: missense variant.
Genome position (GRCh38, 1-based): chr4:54,733,154, G>A. VCF-style: chr4-54733154-G-A. GRCh37 (hg19) VCF-style: chr4-55599320-G-A.
Other names: c.2434G>A, p.Asp812Asn (NM_001093772.2, NM_001385292.1); c.2449G>A, p.Asp817Asn (NM_001385284.1); c.2443G>A, p.Asp815Asn (NM_001385285.1); c.2431G>A, p.Asp811Asn (NM_001385286.1); c.2437G>A, p.Asp813Asn (NM_001385288.1); c.2446G>A, p.Asp816Asn (NM_001385290.1); short protein forms D811N, D812N, D813N, D815N, D816N, D817N.
Identifiers: ClinVar variation 1716236 (VCV001716236.9), dbSNP rs121913506, ClinGen allele CA356911870.

ClinVar aggregate classification (germline): Uncertain significance. Review status: criteria provided, multiple submitters, no conflicts (2 of 4 stars). 3 submissions from 3 submitters: Uncertain significance (3). Last evaluated 2026-04-06.
ClinVar aggregate classification (somatic clinical impact): Tier I - Strong (1 of 4 stars; one submission).

Conditions:
Gastrointestinal stromal tumor. Also called: Gastrointestinal stromal tumor, somatic; Gastrointestinal stroma tumor. Identifiers: Orphanet 44890, MedGen C0238198, MeSH D046152, MONDO:0011719, OMIM 606764, HP:0100723.
Hereditary cancer-predisposing syndrome. Also called: Neoplastic Syndromes, Hereditary; Tumor predisposition; Hereditary neoplastic syndrome; Hereditary Cancer Syndrome. Identifiers: Orphanet 140162, MedGen C0027672, MeSH D009386, MONDO:0015356.
Germinoma. Also called: Germinoma (disease). Identifiers: MedGen C0206660, MONDO:0002598, HP:0100620.

Allele frequency attached by ClinVar (database versions not stated): TOPMed below 0.00001; gnomAD 0.00001.
gnomAD v4.1: 1 of 1,612,728 alleles (0.000062%); highest among the groups gnomAD compares: East Asian, 0.0022%; no homozygotes.

Submissions (4):

GeneDx
Classification: Uncertain significance. Last evaluated: 2026-04-06. Review status: criteria provided, single submitter. Criteria: GeneDx Variant Classification Process June 2021. Collection method: clinical testing. Allele origin: germline.
Comment: Not observed at significant frequency in large population cohorts (gnomAD); In silico analysis supports that this missense variant has a deleterious effect on protein structure/function; Has not been previously published as pathogenic or benign to our knowledge

Ambry Genetics
Classification: Uncertain significance for Hereditary cancer-predisposing syndrome. Last evaluated: 2024-04-01. Review status: criteria provided, single submitter. Criteria: Ambry Variant Classification Scheme 2023. Collection method: clinical testing. Allele origin: germline.
Comment: The p.D816N variant (also known as c.2446G>A), located in coding exon 17 of the KIT gene, results from a G to A substitution at nucleotide position 2446. The aspartic acid at codon 816 is replaced by asparagine, an amino acid with highly similar properties. This amino acid position is highly conserved in available vertebrate species. In addition, this alteration is predicted to be tolerated by in silico analysis. Based on the available evidence, the clinical significance of this alteration remains unclear.

Institute for Genomic Medicine (IGM) Clinical Laboratory, Nationwide Children's Hospital
Classification: Tier I - Strong for Germinoma. Assertion type: diagnostic. Clinical significance: supports diagnosis. Last evaluated: 2023-12-27. Review status: criteria provided, single submitter. Criteria: AMP/ASCO/CAP Guidelines, 2017. Collection method: clinical testing. Allele origin: somatic. Affected: yes.
Comment: Variant has Tier I (strong) clinical significance as a diagnostic inclusion criterion in germinoma, based on the following evidence: 1) Documented in one or more cancer databases (e.g., St. Jude Pecan, COSMIC, CIViC, OncoKB). 2) Appears in one or more well-established professional guidelines (e.g., World Health Organization [WHO]; National Comprehensive Cancer Network [NCCN]) as providing diagnostic, prognostic, or therapeutic information. 3) Information in the literature supports potential biologic effect of variant (PMIDs: 23416972, 11369651). 4) Diagnostic for a specific tumor type/classification based on well-powered studies with expert-level consensus (Evidence Level B; PMIDs: 24452629, 24896186, 27391150).

Labcorp Genetics (formerly Invitae), Labcorp
Classification: Uncertain significance for Gastrointestinal stromal tumor. Last evaluated: 2022-08-12. Review status: criteria provided, single submitter. Criteria: Invitae Variant Classification Sherloc (09022015). Collection method: clinical testing. Allele origin: germline.
Comment: In summary, the available evidence is currently insufficient to determine the role of this variant in disease. Therefore, it has been classified as a Variant of Uncertain Significance. This sequence change replaces aspartic acid, which is acidic and polar, with asparagine, which is neutral and polar, at codon 816 of the KIT protein (p.Asp816Asn). This variant is not present in population databases (gnomAD no frequency). This variant has not been reported in the literature in individuals affected with KIT-related conditions. Algorithms developed to predict the effect of missense changes on protein structure and function are either unavailable or do not agree on the potential impact of this missense change (SIFT: "Deleterious"; PolyPhen-2: "Possibly Damaging"; Align-GVGD: "Class C15").

Literature cited by the submitters: PubMed 23416972 (cited by Institute for Genomic Medicine (IGM) Clinical Laboratory, Nationwide Children's Hospital); PubMed 11369651 (cited by Institute for Genomic Medicine (IGM) Clinical Laboratory, Nationwide Children's Hospital); PubMed 24452629 (cited by Institute for Genomic Medicine (IGM) Clinical Laboratory, Nationwide Children's Hospital); PubMed 24896186 (cited by Institute for Genomic Medicine (IGM) Clinical Laboratory, Nationwide Children's Hospital); PubMed 27391150 (cited by Institute for Genomic Medicine (IGM) Clinical Laboratory, Nationwide Children's Hospital).